The following is an entry in ClinVar:

NM_021267.5(CERS1):c.709G>A (p.Ala237Thr)

Genes: CERS1 (ceramide synthase 1; minus strand), GDF1 (growth differentiation factor 1; minus strand). Cytogenetic location: 19p13.11.
Variant type: single nucleotide variant.
Coding change: c.709G>A on transcript NM_021267.5 (MANE Select); coding-DNA position 709, G replaced by A.
Protein change: p.Ala237Thr; replaces alanine 237 with threonine.
Molecular consequence: missense variant. On other transcripts: 5 prime UTR variant (1), intron variant (1).
Genome position (GRCh38, 1-based): chr19:18,880,317, C>T on the plus strand (G>A on the coding strand, the complement: CERS1 is on the minus strand). VCF-style: chr19-18880317-C-T. GRCh37 (hg19) VCF-style: chr19-18991126-C-T.
Other names: c.415G>A, p.Ala139Thr (NM_001290265.2, NM_001387442.1, NM_001387443.1 and 2 more transcripts); c.709G>A, p.Ala237Thr (NM_001387439.1, NM_001387440.1, NM_198207.3); c.664G>A, p.Ala222Thr (NM_001387441.1); c.-614G>A (NM_001492.6); c.-313+3770G>A (NM_001387438.1); short protein forms A237T, A139T, A222T.
Identifiers: ClinVar variation 1046336 (VCV001046336.8), dbSNP rs368637790, ClinGen allele CA306245210.

ClinVar aggregate classification (germline): Uncertain significance (1 of 4 stars; one submission).

Conditions:
Progressive myoclonic epilepsy type 8. Identifiers: Orphanet 424027, MedGen C5190825, MONDO:0014545, OMIM 616230.

Allele frequency attached by ClinVar (database versions not stated): gnomAD exomes below 0.00001.
gnomAD v4.1: 12 of 1,553,164 alleles (0.00077%); highest among the groups gnomAD compares: African/African-American, 0.0055%; no homozygotes.

Submission:

Labcorp Genetics (formerly Invitae), Labcorp
Classification: Uncertain significance for Progressive myoclonic epilepsy type 8. Last evaluated: 2022-06-20. Review status: criteria provided, single submitter. Criteria: Invitae Variant Classification Sherloc (09022015). Collection method: clinical testing. Allele origin: germline.
Comment: In summary, the available evidence is currently insufficient to determine the role of this variant in disease. Therefore, it has been classified as a Variant of Uncertain Significance. Algorithms developed to predict the effect of missense changes on protein structure and function (SIFT, PolyPhen-2, Align-GVGD) all suggest that this variant is likely to be tolerated. ClinVar contains an entry for this variant (Variation ID: 1046336). This variant has not been reported in the literature in individuals affected with CERS1-related conditions. This variant is not present in population databases (gnomAD no frequency). This sequence change replaces alanine, which is neutral and non-polar, with threonine, which is neutral and polar, at codon 237 of the CERS1 protein (p.Ala237Thr).